The following is an entry in ClinVar:

NM_012123.4(MTO1):c.1259A>G (p.Gln420Arg)

Gene: MTO1 (mitochondrial tRNA translation optimization 1; plus strand). Cytogenetic location: 6q13.
Variant type: single nucleotide variant.
Coding change: c.1259A>G on transcript NM_012123.4 (MANE Select); coding-DNA position 1259, A replaced by G.
Protein change: p.Gln420Arg; replaces glutamine 420 with arginine.
Molecular consequence: missense variant.
Genome position (GRCh38, 1-based): chr6:73,480,804, A>G. VCF-style: chr6-73480804-A-G. GRCh37 (hg19) VCF-style: chr6-74190527-A-G.
Other names: c.1259A>G, p.Gln420Arg (NM_001123226.2); c.1334A>G, p.Gln445Arg (NM_133645.3); short protein forms Q420R, Q445R.
Identifiers: ClinVar variation 1305379 (VCV001305379.3), dbSNP rs754467660, ClinGen allele CA3889567.

ClinVar aggregate classification (germline): Uncertain significance. Review status: criteria provided, multiple submitters, no conflicts (2 of 4 stars). 2 submissions from 2 submitters: Uncertain significance (2). Last evaluated 2025-03-20.

Conditions:
Mitochondrial hypertrophic cardiomyopathy with lactic acidosis due to MTO1 deficiency. Also called: CARDIOMYOPATHY, INFANTILE HYPERTROPHIC MITOCHONDRIAL, AND LACTIC ACIDOSIS; Combined oxidative phosphorylation deficiency 10. Identifiers: Orphanet 314637, MedGen C4749921, MONDO:0013865, OMIM 614702.

Allele frequency attached by ClinVar (database versions not stated): gnomAD exomes below 0.00001 and 0.00001; ExAC 0.00001; gnomAD 0.00001; TOPMed 0.00001.
gnomAD v4.1: 3 of 1,613,628 alleles (0.00019%); highest among the groups gnomAD compares: Admixed American, 0.0033%; no homozygotes.

Submissions (2):

Labcorp Genetics (formerly Invitae), Labcorp
Classification: Uncertain significance for Mitochondrial hypertrophic cardiomyopathy with lactic acidosis due to MTO1 deficiency. Last evaluated: 2025-03-20. Review status: criteria provided, single submitter. Criteria: Invitae Variant Classification Sherloc (09022015). Collection method: clinical testing. Allele origin: germline.
Comment: This sequence change replaces glutamine, which is neutral and polar, with arginine, which is basic and polar, at codon 420 of the MTO1 protein (p.Gln420Arg). This variant is present in population databases (rs754467660, gnomAD 0.003%). This variant has not been reported in the literature in individuals affected with MTO1-related conditions. ClinVar contains an entry for this variant (Variation ID: 1305379). An algorithm developed to predict the effect of missense changes on protein structure and function (PolyPhen-2) suggests that this variant is likely to be disruptive. In summary, the available evidence is currently insufficient to determine the role of this variant in disease. Therefore, it has been classified as a Variant of Uncertain Significance.

GeneDx
Classification: Uncertain significance. Last evaluated: 2019-04-29. Review status: criteria provided, single submitter. Criteria: GeneDx Variant Classification Process June 2021. Collection method: clinical testing. Allele origin: germline. Affected: yes.
Comment: Not observed at a significant frequency in large population cohorts (Lek et al., 2016); In silico analysis, which includes protein predictors and evolutionary conservation, supports a deleterious effect; Has not been previously published as pathogenic or benign to our knowledge